The following is an entry in ClinVar:

ClinVar aggregate classification (germline): Uncertain significance. Review status: criteria provided, multiple submitters, no conflicts (2 of 4 stars). 3 submissions from 3 submitters: Uncertain significance (3). Last evaluated 2025-10-19.

Conditions:
RASopathy. Also called: Noonan spectrum disorder; rasopathies. Identifiers: Orphanet 536391, MedGen C5555857, MONDO:0021060.

gnomAD v4.1: 1 of 1,614,112 alleles (0.000062%); highest among the groups gnomAD compares: South Asian, 0.0011%; no homozygotes.

Submissions (3):

Labcorp Genetics (formerly Invitae), Labcorp
Classification: Uncertain significance for RASopathy. Last evaluated: 2025-10-19. Review status: criteria provided, single submitter. Criteria: Invitae Variant Classification Sherloc (09022015). Collection method: clinical testing. Allele origin: germline.
Comment: This sequence change replaces proline, which is neutral and non-polar, with serine, which is neutral and polar, at codon 417 of the CBL protein (p.Pro417Ser). This variant is not present in population databases (gnomAD no frequency). This variant has not been reported in the literature in individuals affected with CBL-related conditions. ClinVar contains an entry for this variant (Variation ID: 3681444). Invitae Evidence Modeling of protein sequence and biophysical properties (such as structural, functional, and spatial information, amino acid conservation, physicochemical variation, residue mobility, and thermodynamic stability) indicates that this missense variant is expected to disrupt CBL protein function with a positive predictive value of 95%. In summary, the available evidence is currently insufficient to determine the role of this variant in disease. Therefore, it has been classified as a Variant of Uncertain Significance.

GeneDx
Classification: Uncertain significance. Last evaluated: 2024-08-14. Review status: criteria provided, single submitter. Criteria: GeneDx Variant Classification Process June 2021. Collection method: clinical testing. Allele origin: germline. Affected: yes.
Comment: Not observed at significant frequency in large population cohorts (gnomAD); In silico analysis supports that this missense variant has a deleterious effect on protein structure/function; This variant is associated with the following publications: (PMID: 24817963, 20619386, 22315494, 27248906)

Blueprint Genetics
Classification: Uncertain significance. Last evaluated: 2023-08-25. Review status: criteria provided, single submitter. Criteria: ACMG Guidelines, 2015. Collection method: clinical testing. Allele origin: germline.

NM_005188.4(CBL):c.1249C>T (p.Pro417Ser)

Gene: CBL (Cbl proto-oncogene; plus strand). Cytogenetic location: 11q23.3.
Variant type: single nucleotide variant.
Coding change: c.1249C>T on transcript NM_005188.4 (MANE Select); coding-DNA position 1249, C replaced by T.
Protein change: p.Pro417Ser; replaces proline 417 with serine.
Molecular consequence: missense variant.
Genome position (GRCh38, 1-based): chr11:119,278,531, C>T. VCF-style: chr11-119278531-C-T. GRCh37 (hg19) VCF-style: chr11-119149241-C-T.
Other names: short protein forms P417S.
Identifiers: ClinVar variation 3681444 (VCV003681444.3).